The following is an entry in ClinVar:

ClinVar aggregate classification (germline): Uncertain significance (1 of 4 stars; one submission).

Conditions:
Bardet-Biedl syndrome (BBS). Identifiers: Orphanet 110, MedGen C0752166, MONDO:0015229.

Submission:

Labcorp Genetics (formerly Invitae), Labcorp
Classification: Uncertain significance for Bardet-Biedl syndrome. Last evaluated: 2025-12-15. Review status: criteria provided, single submitter. Criteria: Invitae Variant Classification Sherloc (09022015). Collection method: clinical testing. Allele origin: germline.
Comment: This sequence change falls in intron 1 of the BBS4 gene. It does not directly change the encoded amino acid sequence of the BBS4 protein. It affects a nucleotide within the consensus splice site. This variant is not present in population databases (gnomAD no frequency). This variant has not been reported in the literature in individuals affected with BBS4-related conditions. Variants that disrupt the consensus splice site are a relatively common cause of aberrant splicing (PMID: 17576681, 9536098). Algorithms developed to predict the effect of sequence changes on RNA splicing suggest that this variant may disrupt the consensus splice site. In summary, the available evidence is currently insufficient to determine the role of this variant in disease. Therefore, it has been classified as a Variant of Uncertain Significance.

Literature cited by the submitters: PubMed 17576681; PubMed 9536098.

NM_033028.5(BBS4):c.24+5G>T

Gene: BBS4 (Bardet-Biedl syndrome 4; plus strand). Cytogenetic location: 15q24.1.
Variant type: single nucleotide variant.
Coding change: c.24+5G>T on transcript NM_033028.5 (MANE Select); 5 bases into the intron after coding-DNA position 24, G replaced by T.
Molecular consequence: intron variant. On other transcripts: non-coding transcript variant (1).
Genome position (GRCh38, 1-based): chr15:72,686,256, G>T. VCF-style: chr15-72686256-G-T. GRCh37 (hg19) VCF-style: chr15-72978597-G-T.
Other names: c.24+5G>T (NM_001320665.2); c.-446+5G>T (NM_001252678.2).
Identifiers: ClinVar variation 4760676 (VCV004760676.1).